The following is an entry in ClinVar:

ClinVar aggregate classification (germline): Uncertain significance (1 of 4 stars; one submission).

Conditions:
Long QT syndrome (LQTS). Identifiers: MedGen C0023976, MeSH D008133, MONDO:0002442. Disease mechanism: loss of function. Inheritance: Various modes of inheritance.

Submission:

Labcorp Genetics (formerly Invitae), Labcorp
Classification: Uncertain significance for Long QT syndrome. Last evaluated: 2023-05-11. Review status: criteria provided, single submitter. Criteria: Invitae Variant Classification Sherloc (09022015). Collection method: clinical testing. Allele origin: germline.
Comment: This variant is not present in population databases (gnomAD no frequency). This sequence change replaces glutamic acid, which is acidic and polar, with lysine, which is basic and polar, at codon 1986 of the AKAP9 protein (p.Glu1986Lys). This variant has not been reported in the literature in individuals affected with AKAP9-related conditions. An algorithm developed to predict the effect of missense changes on protein structure and function (PolyPhen-2) suggests that this variant¬¨‚Ä† is likely to be tolerated. In summary, the available evidence is currently insufficient to determine the role of this variant in disease. Therefore, it has been classified as a Variant of Uncertain Significance.

NM_005751.5(AKAP9):c.5956G>A (p.Glu1986Lys)

Gene: AKAP9 (A-kinase anchoring protein 9; plus strand). Cytogenetic location: 7q21.2.
Variant type: single nucleotide variant.
Coding change: c.5956G>A on transcript NM_005751.5 (MANE Select); coding-DNA position 5956, G replaced by A.
Protein change: p.Glu1986Lys; replaces glutamic acid 1986 with lysine.
Molecular consequence: missense variant.
Genome position (GRCh38, 1-based): chr7:92,062,465, G>A. VCF-style: chr7-92062465-G-A. GRCh37 (hg19) VCF-style: chr7-91691779-G-A.
Other names: c.601G>A, p.Glu201Lys (NM_001379277.1); c.5956G>A, p.Glu1986Lys (NM_147185.3); short protein forms E201K, E1986K.
Identifiers: ClinVar variation 2863379 (VCV002863379.2), dbSNP rs1289979571, ClinGen allele CA368132245.